The following is an entry in ClinVar:

ClinVar aggregate classification (germline): Conflicting classifications of pathogenicity. Review status: criteria provided, conflicting classifications (1 of 4 stars). 3 submissions from 3 submitters: Uncertain significance (2); Likely benign (1). Last evaluated 2025-06-29.

Conditions:
X-linked Emery-Dreifuss muscular dystrophy. Also called: Muscular dystrophy, tardive Emery-Dreifuss type, with contractures. Identifiers: Orphanet 261, Orphanet 98863, MedGen C0751337, MONDO:0010680.
Cardiovascular phenotype. Identifiers: MedGen CN230736.

Allele frequency attached by ClinVar (database versions not stated): gnomAD exomes below 0.00001 and 0.00003; gnomAD 0.00001; TOPMed 0.00001; ExAC 0.00002.

Submissions (3):

Labcorp Genetics (formerly Invitae), Labcorp
Classification: Uncertain significance for X-linked Emery-Dreifuss muscular dystrophy. Last evaluated: 2025-06-29. Review status: criteria provided, single submitter. Criteria: Invitae Variant Classification Sherloc (09022015). Collection method: clinical testing. Allele origin: germline.
Comment: This sequence change replaces alanine, which is neutral and non-polar, with threonine, which is neutral and polar, at codon 129 of the EMD protein (p.Ala129Thr). This variant is present in population databases (rs782768362, gnomAD 0.02%), including at least one homozygous and/or hemizygous individual. This variant has not been reported in the literature in individuals affected with EMD-related conditions. ClinVar contains an entry for this variant (Variation ID: 290696). Invitae Evidence Modeling of protein sequence and biophysical properties (such as structural, functional, and spatial information, amino acid conservation, physicochemical variation, residue mobility, and thermodynamic stability) indicates that this missense variant is not expected to disrupt EMD protein function with a negative predictive value of 80%. In summary, the available evidence is currently insufficient to determine the role of this variant in disease. Therefore, it has been classified as a Variant of Uncertain Significance.

Ambry Genetics
Classification: Likely benign for Cardiovascular phenotype. Last evaluated: 2021-05-24. Review status: criteria provided, single submitter. Criteria: Ambry Variant Classification Scheme 2023. Collection method: clinical testing. Allele origin: germline.

Eurofins Ntd Llc (ga)
Classification: Uncertain significance. Last evaluated: 2016-09-03. Review status: criteria provided, single submitter. Criteria: EGL Classification Definitions 2015. Collection method: clinical testing. Allele origin: germline. Observed: 1 variant allele, 1 hemizygote.

Literature cited by the submitters: PubMed 31024910 (cited by Ambry Genetics).

NM_000117.3(EMD):c.385G>A (p.Ala129Thr)

Gene: EMD (emerin; plus strand). Cytogenetic location: Xq28.
Variant type: single nucleotide variant.
Coding change: c.385G>A on transcript NM_000117.3 (MANE Select); coding-DNA position 385, G replaced by A.
Protein change: p.Ala129Thr; replaces alanine 129 with threonine.
Molecular consequence: missense variant.
Genome position (GRCh38, 1-based): chrX:154,380,353, G>A. VCF-style: chrX-154380353-G-A. GRCh37 (hg19) VCF-style: chrX-153608713-G-A.
Other names: short protein forms A129T.
Identifiers: ClinVar variation 290696 (VCV000290696.8), dbSNP rs782768362, ClinGen allele CA10561582.